The following is an entry in ClinVar:

NM_005055.5(RAPSN):c.300_319del (p.His100fs)

Gene: RAPSN (receptor associated protein of the synapse; minus strand). Cytogenetic location: 11p11.2.
Variant type: Deletion.
Coding change: c.300_319del on transcript NM_005055.5 (MANE Select); coding-DNA positions 300 to 319, 20 bases deleted (CAAGACCATCTCCTACTGCA).
Protein change: p.His100fs; shifts the reading frame from histidine 100.
Molecular consequence: frameshift variant.
Genome position (GRCh38, 1-based): chr11:47,448,024-47,448,043, TGCAGTAGGAGATGGTCTTG deleted on the plus strand (CAAGACCATCTCCTACTGCA on the coding strand, the reverse complement: RAPSN is on the minus strand); deleting any 20 consecutive bases within chr11:47,448,024-47,448,045 gives the same sequence; the c. name uses the placement nearest the transcript's 3' end. VCF-style (leftmost placement, unchanged base first): chr11-47448023-TTGCAGTAGGAGATGGTCTTG-T. GRCh37 (hg19) VCF-style: chr11-47469575-TTGCAGTAGGAGATGGTCTTG-T.
Other names: c.300_319del, p.His100fs (NM_032645.5); short protein forms H100fs.
Identifiers: ClinVar variation 1323519 (VCV001323519.7), dbSNP rs2153311290, ClinGen allele CA2573053518.

ClinVar aggregate classification (germline): Pathogenic/Likely pathogenic. Review status: criteria provided, multiple submitters, no conflicts (2 of 4 stars). 2 submissions from 2 submitters: Pathogenic (1); Likely pathogenic (1). Last evaluated 2023-07-05.

Conditions:
Fetal akinesia deformation sequence 1 (FADS1). Also called: Pena-Shokeir syndrome type I; Fetal akinesia sequence. Identifiers: Orphanet 994, MedGen C1276035, MONDO:0100101, OMIM 208150, HP:0001989.
Congenital myasthenic syndrome 11. Also called: Myasthenic syndrome, congenital, 11, associated with acetylcholine receptor deficiency; MYASTHENIC SYNDROME, CONGENITAL, Ie. Identifiers: Orphanet 590, MedGen C4225367, MONDO:0014588, OMIM 616326.
Fetal akinesia deformation sequence 2. Identifiers: MedGen C4760576, MONDO:0100102, OMIM 618388.

Submissions (2):

Baylor Genetics
Classification: Likely pathogenic for Fetal akinesia deformation sequence 2. Last evaluated: 2023-07-05. Review status: criteria provided, single submitter. Criteria: ACMG Guidelines, 2015. Collection method: clinical testing. Allele origin: unknown.

Labcorp Genetics (formerly Invitae), Labcorp
Classification: Pathogenic for Congenital myasthenic syndrome 11; Fetal akinesia deformation sequence 1. Last evaluated: 2022-05-03. Review status: criteria provided, single submitter. Criteria: Invitae Variant Classification Sherloc (09022015). Collection method: clinical testing. Allele origin: germline.
Comment: This sequence change creates a premature translational stop signal (p.His100Glnfs*51) in the RAPSN gene. It is expected to result in an absent or disrupted protein product. Loss-of-function variants in RAPSN are known to be pathogenic (PMID: 17686188). This variant is not present in population databases (gnomAD no frequency). This variant has not been reported in the literature in individuals affected with RAPSN-related conditions. ClinVar contains an entry for this variant (Variation ID: 1323519). For these reasons, this variant has been classified as Pathogenic.

Literature cited by the submitters: PubMed 17686188 (cited by Labcorp Genetics (formerly Invitae), Labcorp).